The following is an entry in ClinVar:

ClinVar aggregate classification (germline): Uncertain significance (1 of 4 stars; one submission).

Conditions:
Ehlers-Danlos syndrome, classic type, 1 (EDSCL1). Also called: EHLERS-DANLOS SYNDROME, GRAVIS TYPE; EHLERS-DANLOS SYNDROME, SEVERE CLASSIC TYPE; Ehlers-Danlos syndrome, type 1; Ehlers-Danlos Syndrome, Classic Type, COL5A1-Related; EDS I. Identifiers: MedGen C0268335, MONDO:0019567, OMIM 130000.

Submission:

Labcorp Genetics (formerly Invitae), Labcorp
Classification: Uncertain significance for Ehlers-Danlos syndrome, classic type, 1. Last evaluated: 2024-03-05. Review status: criteria provided, single submitter. Criteria: Invitae Variant Classification Sherloc (09022015). Collection method: clinical testing. Allele origin: germline.
Comment: This sequence change replaces glycine, which is neutral and non-polar, with arginine, which is basic and polar, at codon 897 of the COL5A2 protein (p.Gly897Arg). This variant is not present in population databases (gnomAD no frequency). This variant has not been reported in the literature in individuals affected with COL5A2-related conditions. Advanced modeling of protein sequence and biophysical properties (such as structural, functional, and spatial information, amino acid conservation, physicochemical variation, residue mobility, and thermodynamic stability) performed at Invitae indicates that this missense variant is expected to disrupt COL5A2 protein function with a positive predictive value of 80%. In summary, the available evidence is currently insufficient to determine the role of this variant in disease. Therefore, it has been classified as a Variant of Uncertain Significance.

NM_000393.5(COL5A2):c.2689G>C (p.Gly897Arg)

Gene: COL5A2 (collagen type V alpha 2 chain; minus strand). Cytogenetic location: 2q32.2.
Variant type: single nucleotide variant.
Coding change: c.2689G>C on transcript NM_000393.5 (MANE Select); coding-DNA position 2689, G replaced by C.
Protein change: p.Gly897Arg; replaces glycine 897 with arginine.
Molecular consequence: missense variant.
Genome position (GRCh38, 1-based): chr2:189,052,775, C>G on the plus strand (G>C on the coding strand, the complement: COL5A2 is on the minus strand). VCF-style: chr2-189052775-C-G. GRCh37 (hg19) VCF-style: chr2-189917501-C-G.
Other names: short protein forms G897R.
Identifiers: ClinVar variation 3693077 (VCV003693077.2).